The following is an entry in ClinVar:

NM_016734.3(PAX5):c.449C>A (p.Pro150Gln)

Genes: PAX5 (paired box 5; minus strand), LOC105376032 (uncharacterized LOC105376032; plus strand). Cytogenetic location: 9p13.2.
Variant type: single nucleotide variant.
Coding change: c.449C>A on transcript NM_016734.3 (MANE Select); coding-DNA position 449, C replaced by A.
Protein change: p.Pro150Gln; replaces proline 150 with glutamine.
Molecular consequence: missense variant. On other transcripts: non-coding transcript variant (2).
Genome position (GRCh38, 1-based): chr9:37,006,499, G>T on the plus strand (C>A on the coding strand, the complement: PAX5 is on the minus strand). VCF-style: chr9-37006499-G-T. GRCh37 (hg19) VCF-style: chr9-37006496-G-T.
Other names: c.449C>A, p.Pro150Gln (NM_001280547.2, NM_001280548.2, NM_001280549.2 and 4 more transcripts); c.125C>A, p.Pro42Gln (NM_001280551.2, NM_001280556.2); c.251C>A, p.Pro84Gln (NM_001280555.2); short protein forms P150Q, P42Q, P84Q.
Identifiers: ClinVar variation 3208980 (VCV003208980.2), dbSNP rs1399236466, ClinGen allele CA373487618.

ClinVar aggregate classification (germline): Uncertain significance (1 of 4 stars; one submission).

Conditions:
Inborn genetic diseases. Identifiers: MedGen C0950123, MeSH D030342.

Allele frequency attached by ClinVar (database versions not stated): gnomAD exomes below 0.00001; TOPMed below 0.00001.
gnomAD v4.1: 4 of 1,614,028 alleles (0.00025%); highest among the groups gnomAD compares: South Asian, 0.0011%; no homozygotes.

Submission:

Ambry Genetics
Classification: Uncertain significance for Inborn genetic diseases. Last evaluated: 2024-12-21. Review status: criteria provided, single submitter. Criteria: Ambry Variant Classification Scheme 2023. Collection method: clinical testing. Allele origin: germline.
Comment: The p.P150Q variant (also known as c.449C>A), located in coding exon 4 of the PAX5 gene, results from a C to A substitution at nucleotide position 449. The proline at codon 150 is replaced by glutamine, an amino acid with similar properties. This amino acid position is conserved. In addition, this alteration is predicted to be tolerated by in silico analysis. Based on the available evidence, the clinical significance of this variant remains unclear.